The following is an entry in ClinVar:

ClinVar aggregate classification (germline): Conflicting classifications of pathogenicity. Review status: no assertion criteria provided (0 of 4 stars). 2 submissions from 2 submitters: Pathogenic (1); Uncertain significance (1). Last evaluated 2020-07-08.

Conditions:
Charcot-Marie-Tooth disease. Also called: Charcot-Marie-Tooth Hereditary Neuropathy; Charcot-Marie-Tooth Neuropathy. Identifiers: Orphanet 166, MedGen C0007959, MONDO:0015626.
Neuropathy, hereditary sensory and autonomic, type 2A (HSAN2A). Also called: ACROOSTEOLYSIS, GIACCAI TYPE; ACROOSTEOLYSIS, NEUROGENIC; WNK1-Related HSAN2 (HSAN2A); HSAN IIA; MORVAN DISEASE; NEUROPATHY, CONGENITAL SENSORY. Identifiers: Orphanet 970, MedGen C2752089, MONDO:0024309, OMIM 201300.

Submissions (2):

Institute of Human Genetics, University Hospital Jena
Classification: Pathogenic for Neuropathy, hereditary sensory and autonomic, type 2A. Last evaluated: 2020-07-08. Review status: no assertion criteria provided. Collection method: clinical testing. Allele origin: germline. Affected: yes.
Comment: rs750907088, but not in ClinVar

Inherited Neuropathy Consortium
Classification: Uncertain significance for Charcot-Marie-Tooth disease. Review status: no assertion criteria provided. Collection method: literature only. Allele origin: germline. Affected: yes.

Literature cited by the submitters: PubMed 18521183 (cited by Institute of Human Genetics, University Hospital Jena and Inherited Neuropathy Consortium).

NM_018979.4(WNK1):c.640del (p.Met214fs)

Gene: WNK1 (WNK lysine deficient protein kinase 1; plus strand). Cytogenetic location: 12p13.33.
Variant type: Deletion.
Coding change: c.640del on transcript NM_018979.4 (MANE Select); coding-DNA position 640, one base deleted (A; older notation c.640delA).
Protein change: p.Met214fs; shifts the reading frame from methionine 214.
Molecular consequence: frameshift variant.
Genome position (GRCh38, 1-based): chr12:754,205, A deleted; the last of 2 consecutive A bases (chr12:754,204-754,205); deleting either gives the same sequence. VCF-style (leftmost placement, unchanged base first): chr12-754203-GA-G. GRCh37 (hg19) VCF-style: chr12-863369-GA-G.
Other names: c.640del, p.Met214fs (NM_001184985.2, NM_014823.3, NM_213655.5); short protein forms M214fs.
Identifiers: ClinVar variation 637917 (VCV000637917.2), dbSNP rs1591543044, ClinGen allele CA915947825.